The following is an entry in ClinVar:

ClinVar aggregate classification (germline): Uncertain significance (1 of 4 stars; one submission).

gnomAD v4.1: 4 of 1,613,884 alleles (0.00025%); highest among the groups gnomAD compares: African/African-American, 0.0053%; no homozygotes.

Submission:

Labcorp Genetics (formerly Invitae), Labcorp
Classification: Uncertain significance. Last evaluated: 2025-12-30. Review status: criteria provided, single submitter. Criteria: Invitae Variant Classification Sherloc (09022015). Collection method: clinical testing. Allele origin: germline.
Comment: This sequence change replaces proline, which is neutral and non-polar, with histidine, which is basic and polar, at codon 863 of the COL4A4 protein (p.Pro863His). This variant is not present in population databases (gnomAD no frequency). This variant has not been reported in the literature in individuals affected with COL4A4-related conditions. Invitae Evidence Modeling of protein sequence and biophysical properties (such as structural, functional, and spatial information, amino acid conservation, physicochemical variation, residue mobility, and thermodynamic stability) indicates that this missense variant is not expected to disrupt COL4A4 protein function with a negative predictive value of 95%. In summary, the available evidence is currently insufficient to determine the role of this variant in disease. Therefore, it has been classified as a Variant of Uncertain Significance.

NM_000092.5(COL4A4):c.2588C>A (p.Pro863His)

Gene: COL4A4 (collagen type IV alpha 4 chain; minus strand). Cytogenetic location: 2q36.3.
Variant type: single nucleotide variant.
Coding change: c.2588C>A on transcript NM_000092.5 (MANE Select); coding-DNA position 2588, C replaced by A.
Protein change: p.Pro863His; replaces proline 863 with histidine.
Molecular consequence: missense variant.
Genome position (GRCh38, 1-based): chr2:227,056,073, G>T on the plus strand (C>A on the coding strand, the complement: COL4A4 is on the minus strand). VCF-style: chr2-227056073-G-T. GRCh37 (hg19) VCF-style: chr2-227920789-G-T.
Other names: short protein forms P863H.
Identifiers: ClinVar variation 4748874 (VCV004748874.1).